The following is an entry in ClinVar:

NM_007294.4(BRCA1):c.1021G>A (p.Asp341Asn)

Gene: BRCA1 (BRCA1 DNA repair associated; minus strand). Cytogenetic location: 17q21.31.
Variant type: single nucleotide variant.
Coding change: c.1021G>A on transcript NM_007294.4 (MANE Select); coding-DNA position 1021, G replaced by A.
Protein change: p.Asp341Asn; replaces aspartic acid 341 with asparagine.
Molecular consequence: missense variant. On other transcripts: intron variant (137).
Genome position (GRCh38, 1-based): chr17:43,094,510, C>T on the plus strand (G>A on the coding strand, the complement: BRCA1 is on the minus strand). VCF-style: chr17-43094510-C-T. GRCh37 (hg19) VCF-style: chr17-41246527-C-T.
Other names: c.808G>A, p.Asp270Asn (NM_001407571.1, NM_001407915.1, NM_001407853.1 and 9 more transcripts); c.1021G>A, p.Asp341Asn (NM_001407581.1, NM_001407582.1, NM_001407583.1 and 30 more transcripts); c.1018G>A, p.Asp340Asn (NM_001407587.1, NM_001407590.1, NM_001407591.1 and 22 more transcripts); c.895G>A, p.Asp299Asn (NM_001407649.1, NM_001407670.1, NM_001407671.1 and 11 more transcripts); c.943G>A, p.Asp315Asn (NM_001407653.1, NM_001407654.1, NM_001407655.1 and 4 more transcripts); c.940G>A, p.Asp314Asn (NM_001407659.1, NM_001407660.1, NM_001407661.1 and 1 more transcripts); c.898G>A, p.Asp300Asn (NM_001407674.1, NM_001407675.1, NM_001407676.1 and 19 more transcripts); c.880G>A, p.Asp294Asn (NM_001407692.1, NM_001407694.1, NM_001407695.1 and 29 more transcripts); and 40 more; short protein forms D341N, D294N, D213N, D214N, D252N, D253N, D273N, D299N.
Identifiers: ClinVar variation 409364 (VCV000409364.24), dbSNP rs756987689, ClinGen allele CA10600018.

ClinVar aggregate classification (germline): Conflicting classifications of pathogenicity. Review status: criteria provided, conflicting classifications (1 of 4 stars). 7 submissions from 7 submitters: Uncertain significance (6); Likely benign (1). Last evaluated 2025-10-23.

Conditions:
Breast-ovarian cancer, familial, susceptibility to, 1 (BROVCA1). Also called: BRCA1 Hereditary Breast and Ovarian Cancer; OVARIAN CANCER, SUSCEPTIBILITY TO. Identifiers: Orphanet 145, MedGen C2676676, MONDO:0011450, OMIM 604370. Disease mechanism: loss of function.
Hereditary breast ovarian cancer syndrome. Also called: Hereditary breast and ovarian cancer syndrome; Breast and ovarian cancer; Hereditary breast and ovarian cancer syndrome (HBOC); Hereditary breast and/or ovarian cancer syndrome; BRCA1- and BRCA2-Associated Hereditary Breast and Ovarian Cancer; Hereditary breast and ovarian cancer. Identifiers: Orphanet 145, MedGen C0677776, MeSH D061325, MONDO:0003582. Disease mechanism: loss of function.
Hereditary cancer-predisposing syndrome. Also called: Neoplastic Syndromes, Hereditary; Hereditary neoplastic syndrome; Hereditary Cancer Syndrome; Tumor predisposition. Identifiers: Orphanet 140162, MedGen C0027672, MeSH D009386, MONDO:0015356.

Submissions (7):

Labcorp Genetics (formerly Invitae), Labcorp
Classification: Uncertain significance for Hereditary breast ovarian cancer syndrome. Last evaluated: 2025-10-23. Review status: criteria provided, single submitter. Criteria: Invitae Variant Classification Sherloc (09022015). Collection method: clinical testing. Allele origin: germline.
Comment: This sequence change replaces aspartic acid, which is acidic and polar, with asparagine, which is neutral and polar, at codon 341 of the BRCA1 protein (p.Asp341Asn). This variant is not present in population databases (gnomAD no frequency). This missense change has been observed in individual(s) with breast and/or ovarian cancer (PMID: 18273839). ClinVar contains an entry for this variant (Variation ID: 409364). Invitae Evidence Modeling of protein sequence and biophysical properties (such as structural, functional, and spatial information, amino acid conservation, physicochemical variation, residue mobility, and thermodynamic stability) has been performed for this missense variant. However, the output from this modeling did not meet the statistical confidence thresholds required to predict the impact of this variant on BRCA1 protein function. In summary, the available evidence is currently insufficient to determine the role of this variant in disease. Therefore, it has been classified as a Variant of Uncertain Significance.

Ambry Genetics
Classification: Uncertain significance for Hereditary cancer-predisposing syndrome. Last evaluated: 2025-08-22. Review status: criteria provided, single submitter. Criteria: Ambry Variant Classification Scheme 2023. Collection method: clinical testing. Allele origin: germline.
Comment: The p.D341N variant (also known as c.1021G>A), located in coding exon 9 of the BRCA1 gene, results from a G to A substitution at nucleotide position 1021. The aspartic acid at codon 341 is replaced by asparagine, an amino acid with highly similar properties. This alteration has been detected in a cohort of French breast and/or ovarian cancer families (Anczuk&oacute;w O et al. Genes Chromosomes Cancer, 2008 May;47:418-26). This amino acid position is poorly conserved in available vertebrate species. In addition, the in silico prediction for this alteration is inconclusive. Since supporting evidence is limited at this time, the clinical significance of this alteration remains unclear.

University of Washington Department of Laboratory Medicine, University of Washington
Classification: Likely benign for Hereditary cancer-predisposing syndrome. Last evaluated: 2023-03-23. Review status: criteria provided, single submitter. Criteria: Dines et al. (Genet Med. 2020). Collection method: curation. Allele origin: germline.
Comment: Missense variant in a coldspot region where missense variants are very unlikely to be pathogenic (PMID:31911673).

BRCA1 coldspot (exon 11 using historical exon numbering). Reclassification based on statistical prior probability

Quest Diagnostics Nichols Institute San Juan Capistrano
Classification: Uncertain significance. Last evaluated: 2022-10-04. Review status: criteria provided, single submitter. Criteria: Quest Diagnostics criteria. Collection method: clinical testing. Allele origin: unknown.
Comment: It has not been reported in large, multi-ethnic general populations. In the published literature, the variant has been reported in families with breast or ovarian cancer (PMID: 18273839 (2008)). Analysis of this variant using bioinformatics tools for the prediction of the effect of amino acid changes on protein structure and function yielded predictions that this variant is benign. Based on the available information, we are unable to determine the clinical significance of this variant.

GeneDx
Classification: Uncertain significance. Last evaluated: 2022-03-23. Review status: criteria provided, single submitter. Criteria: GeneDx Variant Classification Process June 2021. Collection method: clinical testing. Allele origin: germline. Affected: yes.
Comment: Not observed at significant frequency in large population cohorts (gnomAD); In silico analysis supports that this missense variant does not alter protein structure/function; Has not been previously published as pathogenic or benign to our knowledge; Also known as 1140G>A; This variant is associated with the following publications: (PMID: 10426999, 20215511, 15343273, 9926942, 9582019, 11521194)

Color Diagnostics, LLC DBA Color Health
Classification: Uncertain significance for Hereditary cancer-predisposing syndrome. Last evaluated: 2019-06-22. Review status: criteria provided, single submitter. Criteria: ACMG Guidelines, 2015. Collection method: clinical testing. Allele origin: germline.

Mendelics
Classification: Uncertain significance for Breast-ovarian cancer, familial, susceptibility to, 1. Last evaluated: 2019-05-28. Review status: criteria provided, single submitter. Criteria: Mendelics Assertion Criteria 2017. Collection method: clinical testing. Allele origin: unknown.

Literature cited by the submitters: PubMed 18273839 (cited by 3 submitters).